The following is an entry in ClinVar:

ClinVar aggregate classification (germline): Likely benign (0 of 4 stars; one submission).

Conditions:
PLXNA3-related disorder. Also called: PLXNA3-related condition.

gnomAD v4.1: 14 of 1,087,226 alleles (0.0013%); highest among the groups gnomAD compares: South Asian, 0.0022%; no homozygotes.

Submission:

PreventionGenetics, part of Exact Sciences
Classification: Likely benign for PLXNA3-related condition. Last evaluated: 2024-08-04. Review status: no assertion criteria provided. Collection method: clinical testing. Allele origin: germline.
Comment: This variant is classified as likely benign based on ACMG/AMP sequence variant interpretation guidelines (Richards et al. 2015 PMID: 25741868, with internal and published modifications).

NM_017514.5(PLXNA3):c.594C>G (p.Leu198=)

Gene: PLXNA3 (plexin A3; plus strand). Cytogenetic location: Xq28.
Variant type: single nucleotide variant.
Coding change: c.594C>G on transcript NM_017514.5 (MANE Select); coding-DNA position 594, C replaced by G.
Protein change: p.Leu198=; no amino-acid change (leucine 198 retained).
Molecular consequence: synonymous variant.
Genome position (GRCh38, 1-based): chrX:154,460,777, C>G. VCF-style: chrX-154460777-C-G. GRCh37 (hg19) VCF-style: chrX-153689117-C-G.
Identifiers: ClinVar variation 3357073 (VCV003357073.1).
Genomic context (GRCh38, chrX:154,460,777, plus strand): 5'-CCCCACCTTGAGCTCCCGCAAGCTCATCAGTGATGAAGACAGCGCGGACATGTTCAGTCT[C>G]GTGCGTGAGCCTTCCTTCTCTTCTTCCTCCACCCAGTCCTGGCTCTGCCTCCCAGAAGAG-3'
Protein context (NP_059984.3, residues 188-208): SDEDSADMFS[Leu198=]VYQDEFVSSQ